The following is an entry in ClinVar:

NM_015346.4(ZFYVE26):c.4982_4983del (p.Leu1661fs)

Gene: ZFYVE26 (zinc finger FYVE-type containing 26; minus strand). Cytogenetic location: 14q24.1.
Variant type: Deletion.
Coding change: c.4982_4983del on transcript NM_015346.4 (MANE Select); coding-DNA positions 4982 to 4983, 2 bases deleted (TG; older notation c.4982_4983delTG).
Protein change: p.Leu1661fs; shifts the reading frame from leucine 1661.
Molecular consequence: frameshift variant.
Genome position (GRCh38, 1-based): chr14:67,776,098-67,776,099, CA deleted on the plus strand (TG on the coding strand, the reverse complement: ZFYVE26 is on the minus strand). VCF-style (leftmost placement, unchanged base first): chr14-67776097-TCA-T. GRCh37 (hg19) VCF-style: chr14-68242814-TCA-T.
Other names: short protein forms L1661fs.
Identifiers: ClinVar variation 1726871 (VCV001726871.2), dbSNP rs2502783023, ClinGen allele CA2580088597.

ClinVar aggregate classification (germline): Likely pathogenic (1 of 4 stars; one submission).

Conditions:
Hereditary spastic paraplegia 15 (SPG15). Also called: SPASTIC PARAPLEGIA 15, AUTOSOMAL RECESSIVE; KJELLIN SYNDROME; SPASTIC PARAPLEGIA AND RETINAL DEGENERATION. Identifiers: Orphanet 100996, MedGen C1849128, MONDO:0010044, OMIM 270700.

Submission:

Myriad Genetics, Inc.
Classification: Likely pathogenic for Hereditary spastic paraplegia 15. Last evaluated: 2022-01-02. Review status: criteria provided, single submitter. Criteria: Myriad Women's Health Autosomal Recessive and X-Linked Classification Criteria (2021). Collection method: clinical testing. Allele origin: unknown.
Comment: NM_015346.3(ZFYVE26):c.4982_4983delTG(L1661Hfs*4) is expected to be pathogenic in the context of spastic paraplegia type 15. This variant is predicted to lead to an abnormal or absent protein product due to the creation of a premature termination codon in ZFYVE26, a gene where loss-of-function variants are known to be pathogenic. Please note: this variant was assessed in the context of healthy population screening.